The following is an entry in ClinVar:

ClinVar aggregate classification (germline): Uncertain significance (1 of 4 stars; one submission).

gnomAD v4.1: 22 of 1,612,676 alleles (0.0014%); highest among the groups gnomAD compares: Middle Eastern, 0.033%; no homozygotes.

Submission:

Labcorp Genetics (formerly Invitae), Labcorp
Classification: Uncertain significance. Last evaluated: 2024-09-02. Review status: criteria provided, single submitter. Criteria: Invitae Variant Classification Sherloc (09022015). Collection method: clinical testing. Allele origin: germline.
Comment: This sequence change replaces proline, which is neutral and non-polar, with alanine, which is neutral and non-polar, at codon 253 of the MKL1 protein (p.Pro253Ala). This variant is present in population databases (rs773029783, gnomAD 0.0009%). This variant has not been reported in the literature in individuals affected with MKL1-related conditions. ClinVar contains an entry for this variant (Variation ID: 1992194). An algorithm developed to predict the effect of missense changes on protein structure and function (PolyPhen-2) suggests that this variant is likely to be disruptive. In summary, the available evidence is currently insufficient to determine the role of this variant in disease. Therefore, it has been classified as a Variant of Uncertain Significance.

NM_020831.6(MRTFA):c.1057C>G (p.Pro353Ala)

Gene: MRTFA (myocardin related transcription factor A; minus strand). Cytogenetic location: 22q13.1.
Variant type: single nucleotide variant.
Coding change: c.1057C>G on transcript NM_020831.6 (MANE Select); coding-DNA position 1057, C replaced by G.
Protein change: p.Pro353Ala; replaces proline 353 with alanine.
Molecular consequence: missense variant.
Genome position (GRCh38, 1-based): chr22:40,420,971, G>C on the plus strand (C>G on the coding strand, the complement: MRTFA is on the minus strand). VCF-style: chr22-40420971-G-C. GRCh37 (hg19) VCF-style: chr22-40816975-G-C.
Other names: c.757C>G, p.Pro253Ala (NM_001282660.2); c.907C>G, p.Pro303Ala (NM_001282661.3); c.1057C>G, p.Pro353Ala (NM_001282662.3); c.862C>G, p.Pro288Ala (NM_001318139.2); short protein forms P288A, P303A, P253A, P353A.
Identifiers: ClinVar variation 1992194 (VCV001992194.4), dbSNP rs773029783, ClinGen allele CA10249804.